The following is an entry in ClinVar:

ClinVar aggregate classification (germline): Uncertain significance (1 of 4 stars; one submission).

Conditions:
Aortic aneurysm, familial thoracic 4 (AAT4). Also called: AORTIC ANEURYSM/AORTIC DISSECTION AND PATENT DUCTUS ARTERIOSUS. Identifiers: MedGen C1851504, MONDO:0007568, OMIM 132900.

Submission:

Labcorp Genetics (formerly Invitae), Labcorp
Classification: Uncertain significance for Aortic aneurysm, familial thoracic 4. Last evaluated: 2024-08-29. Review status: criteria provided, single submitter. Criteria: Invitae Variant Classification Sherloc (09022015). Collection method: clinical testing. Allele origin: germline.
Comment: This sequence change replaces threonine, which is neutral and polar, with asparagine, which is neutral and polar, at codon 1546 of the MYH11 protein (p.Thr1546Asn). This variant is not present in population databases (gnomAD no frequency). This missense change has been observed in individual(s) with aortic aneurysm (PMID: 26188975). This variant is also known as T1539N. Invitae Evidence Modeling of protein sequence and biophysical properties (such as structural, functional, and spatial information, amino acid conservation, physicochemical variation, residue mobility, and thermodynamic stability) indicates that this missense variant is not expected to disrupt MYH11 protein function with a negative predictive value of 95%. In summary, the available evidence is currently insufficient to determine the role of this variant in disease. Therefore, it has been classified as a Variant of Uncertain Significance.

Literature cited by the submitters: PubMed 26188975.

NM_002474.3(MYH11):c.4616C>A (p.Thr1539Asn)

Genes: NDE1 (nudE neurodevelopment protein 1; plus strand), MYH11 (myosin heavy chain 11; minus strand). Cytogenetic location: 16p13.11.
Variant type: single nucleotide variant.
Coding change: c.4616C>A on transcript NM_002474.3 (MANE Select); coding-DNA position 4616, C replaced by A.
Protein change: p.Thr1539Asn; replaces threonine 1539 with asparagine.
Molecular consequence: missense variant. On other transcripts: intron variant (2).
Genome position (GRCh38, 1-based): chr16:15,721,014, G>T on the plus strand (C>A on the coding strand, the complement: MYH11 is on the minus strand). VCF-style: chr16-15721014-G-T. GRCh37 (hg19) VCF-style: chr16-15814871-G-T.
Other names: c.4637C>A, p.Thr1546Asn (NM_001040113.2, NM_001040114.2); c.4616C>A, p.Thr1539Asn (NM_022844.3); c.948-3177G>T (NM_001143979.2, NM_017668.3); short protein forms T1539N, T1546N.
Identifiers: ClinVar variation 3683541 (VCV003683541.2).